The following is an entry in ClinVar:

ClinVar aggregate classification (germline): Uncertain significance (1 of 4 stars; one submission).

Conditions:
Blau syndrome (BLAUS). Also called: GRANULOMATOSIS, FAMILIAL JUVENILE SYSTEMIC; GRANULOMATOSIS, FAMILIAL, BLAU TYPE; GRANULOMATOUS INFLAMMATORY ARTHRITIS, DERMATITIS, AND UVEITIS, FAMILIAL; JABS SYNDROME; ARTHROCUTANEOUVEAL GRANULOMATOSIS. Identifiers: Orphanet 90340, MedGen C5201146, MONDO:0008523, OMIM 186580.
Regional enteritis. Also called: Enteritis, Granulomatous. Identifiers: MedGen C0678202, MeSH D003424.

gnomAD v4.1: 112 of 1,555,952 alleles (0.0072%); highest among the groups gnomAD compares: Non-Finnish European, 0.0095%; no homozygotes.

Submission:

Labcorp Genetics (formerly Invitae), Labcorp
Classification: Uncertain significance for Regional enteritis; Blau syndrome. Last evaluated: 2025-07-13. Review status: criteria provided, single submitter. Criteria: Invitae Variant Classification Sherloc (09022015). Collection method: clinical testing. Allele origin: germline.
Comment: This sequence change affects codon 24 of the NOD2 mRNA. It is a 'silent' change, meaning that it does not change the encoded amino acid sequence of the NOD2 protein. It affects a nucleotide within the consensus splice site. This variant is present in population databases (no rsID available, gnomAD 0.006%). This variant has not been reported in the literature in individuals affected with NOD2-related conditions. ClinVar contains an entry for this variant (Variation ID: 2927849). Algorithms developed to predict the effect of sequence changes on RNA splicing suggest that this variant is not likely to affect RNA splicing. In summary, the available evidence is currently insufficient to determine the role of this variant in disease. Therefore, it has been classified as a Variant of Uncertain Significance.

NM_001370466.1(NOD2):c.-8-2173G>A

Gene: NOD2 (nucleotide binding oligomerization domain containing 2; plus strand). Cytogenetic location: 16q12.1.
Variant type: single nucleotide variant.
Coding change: c.-8-2173G>A on transcript NM_001370466.1 (MANE Select); 2173 bases into the intron before 8 bases upstream of the start codon, G replaced by A.
Molecular consequence: intron variant. On other transcripts: synonymous variant (1).
Genome position (GRCh38, 1-based): chr16:50,697,315, G>A. VCF-style: chr16-50697315-G-A. GRCh37 (hg19) VCF-style: chr16-50731226-G-A.
Other names: c.72G>A, p.Pro24= (NM_022162.3).
Identifiers: ClinVar variation 2927849 (VCV002927849.3), dbSNP rs947655808, ClinGen allele CA495448733.
Genomic context (GRCh38, chr16:50,697,315, plus strand): 5'-GGGTGGTTCAGCCTCTCACGATGAGGAGGAAAGAGCAAGTGTCCTCCTCGGACATTCTCC[G>A]GGTAAGAGGAGCAGGCATTGTCCCGTCCCAGCTTGATCCTCAGCCTTCTTTCATCCTTGG-3'